The following is an entry in ClinVar:

ClinVar aggregate classification (germline): Pathogenic/Likely pathogenic. Review status: criteria provided, multiple submitters, no conflicts (2 of 4 stars). 4 submissions from 4 submitters: Pathogenic (1); Likely pathogenic (3). Last evaluated 2025-07-25.

Conditions:
SLC26A2-related skeletal dysplasia. Identifiers: MedGen CN379209, MONDO:0100592.
Achondrogenesis, type IB (ACG1B). Also called: Achondrogenesis Type 1B. Identifiers: Orphanet 932, Orphanet 93298, MedGen C0265274, MONDO:0010966, OMIM 600972.
Atelosteogenesis type II (AO2). Also called: Neonatal osseous dysplasia 1; NEONATAL OSSEOUS DYSPLASIA I; SLC26A2-Related Atelosteogenesis. Identifiers: Orphanet 56304, MedGen C1850554, MONDO:0009727, OMIM 256050.
Multiple epiphyseal dysplasia type 4 (EDM4). Also called: Multiple Epiphyseal Dysplasia, Recessive; SLC26A2-Related Multiple Epiphyseal Dysplasia; MULTIPLE EPIPHYSEAL DYSPLASIA WITH BILAYERED PATELLAE; MULTIPLE EPIPHYSEAL DYSPLASIA WITH CLUBFOOT; MULTIPLE EPIPHYSEAL DYSPLASIA, AUTOSOMAL RECESSIVE. Identifiers: Orphanet 93307, MedGen C1847593, MONDO:0009189, OMIM 226900.
Diastrophic dysplasia (DTD). Also called: Diastrophic dwarfism. Identifiers: Orphanet 628, MedGen C0220726, MONDO:0009107, OMIM 222600.

Submissions (4):

Myriad Genetics, Inc.
Classification: Likely pathogenic for SLC26A2-related skeletal dysplasia. Last evaluated: 2025-07-25. Review status: criteria provided, single submitter. Criteria: Myriad Autosomal Dominant, Autosomal Recessive and X-Linked Classification Criteria (2023). Collection method: clinical testing. Allele origin: unknown.
Comment: NM_000112.3(SLC26A2):c.2065_2068delACTGinsTC(T689Sfs*22) is a frameshift variant classified as likely pathogenic in the context of SLC26A2-related disorders. T689Sfs*22 has not been observed in cases with relevant disease. Relevant functional assessments of this variant are not available in the literature. Internal structural analysis of the variant is supportive of pathogenicity. T689Sfs*22 has not been observed in referenced population frequency databases. . Please note: this variant was assessed in the context of healthy population screening.

Labcorp Genetics (formerly Invitae), Labcorp
Classification: Pathogenic for Atelosteogenesis type II; Multiple epiphyseal dysplasia type 4; Achondrogenesis, type IB; Diastrophic dysplasia. Last evaluated: 2025-04-22. Review status: criteria provided, single submitter. Criteria: Invitae Variant Classification Sherloc (09022015). Collection method: clinical testing. Allele origin: germline.
Comment: This sequence change creates a premature translational stop signal (p.Thr689Serfs*22) in the SLC26A2 gene. While this is not anticipated to result in nonsense mediated decay, it is expected to disrupt the last 51 amino acid(s) of the SLC26A2 protein. This variant is present in population databases (rs773490671, gnomAD 0.01%). This variant has not been reported in the literature in individuals affected with SLC26A2-related conditions. ClinVar contains an entry for this variant (Variation ID: 1067905). This variant disrupts a region of the SLC26A2 protein in which other variant(s) (p.Ala715Val) have been determined to be pathogenic (PMID: 8571951, 15294877, 21922596; internal data). This suggests that this is a clinically significant region of the protein, and that variants that disrupt it are likely to be disease-causing. For these reasons, this variant has been classified as Pathogenic.

Fulgent Genetics
Classification: Likely pathogenic for Diastrophic dysplasia; Multiple epiphyseal dysplasia type 4; Atelosteogenesis type II; Achondrogenesis, type IB. Last evaluated: 2024-01-12. Review status: criteria provided, single submitter. Criteria: ACMG Guidelines, 2015. Collection method: clinical testing. Allele origin: germline.

Baylor Genetics
Classification: Likely pathogenic for Achondrogenesis, type IB. Last evaluated: 2023-09-09. Review status: criteria provided, single submitter. Criteria: ACMG Guidelines, 2015. Collection method: clinical testing. Allele origin: unknown.

Literature cited by the submitters: PubMed 8571951 (cited by Labcorp Genetics (formerly Invitae), Labcorp); PubMed 15294877 (cited by Labcorp Genetics (formerly Invitae), Labcorp); PubMed 21922596 (cited by Labcorp Genetics (formerly Invitae), Labcorp).

NM_000112.4(SLC26A2):c.2065_2068delinsTC (p.Thr689fs)

Gene: SLC26A2 (solute carrier family 26 member 2; plus strand). Cytogenetic location: 5q32.
Variant type: Indel.
Coding change: c.2065_2068delinsTC on transcript NM_000112.4 (MANE Select); coding-DNA positions 2065 to 2068, ACTG replaced by TC.
Protein change: p.Thr689fs; shifts the reading frame from threonine 689.
Molecular consequence: frameshift variant.
Genome position (GRCh38, 1-based): chr5:149,981,658-149,981,661, ACTG replaced by TC. VCF-style: chr5-149981658-ACTG-TC. GRCh37 (hg19) VCF-style: chr5-149361221-ACTG-TC.
Other names: short protein forms T689fs.
Identifiers: ClinVar variation 2678879 (VCV002678879.4), dbSNP rs2480778001, ClinGen allele CA2695198769.
Genomic context (GRCh38, chr5:149,981,658, plus strand): 5'-GAAGTTCGCAGAGATTATGAAGCCATTGGAATCCAGGTTCTGCTGGCTCAGTGCAATCCC[ACTG>TC]TGAGGGATTCCCTAACCAACGGAGAATATTGCAAAAAGGAAGAAGAAAACCTTCTCTTCT-3'